The following is an entry in ClinVar:

NM_000666.3(ACY1):c.526+1G>A

Genes: ABHD14A-ACY1 (ABHD14A-ACY1 readthrough; plus strand), ACY1 (aminoacylase 1; plus strand). Cytogenetic location: 3p21.2.
Variant type: single nucleotide variant.
Coding change: c.526+1G>A on transcript NM_000666.3 (MANE Select); the canonical splice donor site of the intron after coding-DNA position 526, G replaced by A.
Molecular consequence: splice donor variant. On other transcripts: intron variant (1).
Genome position (GRCh38, 1-based): chr3:51,986,505, G>A. VCF-style: chr3-51986505-G-A. GRCh37 (hg19) VCF-style: chr3-52020521-G-A.
Other names: c.796+1G>A (NM_001316331.2); c.526+1G>A (NM_001198897.2, NM_001198895.2); c.311-100G>A (NM_001198896.2); c.421+1G>A (NM_001198898.2).
Identifiers: ClinVar variation 4849441 (VCV004849441.1).

ClinVar aggregate classification (germline): Likely pathogenic (1 of 4 stars; one submission).

Conditions:
Aminoacylase 1 deficiency. Also called: Neurological conditions associated with aminoacylase 1 deficiency. Identifiers: Orphanet 137754, MedGen C1835922, MONDO:0012368, OMIM 609924.

Submission:

First Genomix Gene Laboratory, Genetic Diagnostics Department
Classification: Likely pathogenic for Aminoacylase 1 deficiency. Last evaluated: 2025-06-02. Review status: criteria provided, single submitter. Criteria: ACMG Guidelines, 2015. Collection method: clinical testing. Allele origin: germline. Inheritance: Autosomal recessive inheritance. Affected: no. Observed: 1 variant allele.